The following is an entry in ClinVar:

ClinVar aggregate classification (germline): Conflicting classifications of pathogenicity. Review status: criteria provided, conflicting classifications (1 of 4 stars). 2 submissions from 2 submitters: Uncertain significance (1); Likely benign (1). Last evaluated 2024-09-08.

Allele frequency attached by ClinVar (database versions not stated): ExAC 0.00018; ESP Exome Variant Server 0.00019; TOPMed 0.00019; gnomAD 0.00022; gnomAD exomes 0.00041.
gnomAD v4.1: 449 of 1,183,869 alleles (0.038%); highest among the groups gnomAD compares: Non-Finnish European, 0.049%; no homozygotes.

Submissions (2):

Ambry Genetics
Classification: Uncertain significance. Last evaluated: 2024-09-08. Review status: criteria provided, single submitter. Criteria: Ambry Variant Classification Scheme 2023. Collection method: clinical testing. Allele origin: germline.

CeGaT Center for Human Genetics Tuebingen
Classification: Likely benign. Last evaluated: 2023-01-01. Review status: criteria provided, single submitter. Criteria: CeGaT Center For Human Genetics Tuebingen Variant Classification Criteria Version 2. Collection method: clinical testing. Allele origin: germline. Affected: yes. Observed: 1 variant allele.
Comment: GPR173: BS2

NM_018969.6(GPR173):c.658G>A (p.Val220Met)

Gene: GPR173 (G protein-coupled receptor 173; plus strand). Cytogenetic location: Xp11.22.
Variant type: single nucleotide variant.
Coding change: c.658G>A on transcript NM_018969.6 (MANE Select); coding-DNA position 658, G replaced by A.
Protein change: p.Val220Met; replaces valine 220 with methionine.
Molecular consequence: missense variant.
Genome position (GRCh38, 1-based): chrX:53,077,279, G>A. VCF-style: chrX-53077279-G-A. GRCh37 (hg19) VCF-style: chrX-53106461-G-A.
Other names: short protein forms V220M.
Identifiers: ClinVar variation 2381749 (VCV002381749.27), dbSNP rs202232678, ClinGen allele CA10418438.